The following is an entry in ClinVar:

ClinVar aggregate classification (germline): Uncertain significance (1 of 4 stars; one submission).

gnomAD v4.1: 37 of 1,613,728 alleles (0.0023%); highest among the groups gnomAD compares: East Asian, 0.018%; no homozygotes.

Submission:

Labcorp Genetics (formerly Invitae), Labcorp
Classification: Uncertain significance. Last evaluated: 2025-07-28. Review status: criteria provided, single submitter. Criteria: Invitae Variant Classification Sherloc (09022015). Collection method: clinical testing. Allele origin: germline.
Comment: This sequence change replaces arginine, which is basic and polar, with glutamine, which is neutral and polar, at codon 775 of the HR protein (p.Arg775Gln). This variant is present in population databases (rs745393302, gnomAD 0.08%). This variant has not been reported in the literature in individuals affected with HR-related conditions. An algorithm developed to predict the effect of missense changes on protein structure and function (PolyPhen-2) suggests that this variant is likely to be disruptive. In summary, the available evidence is currently insufficient to determine the role of this variant in disease. Therefore, it has been classified as a Variant of Uncertain Significance.

NM_005144.5(HR):c.2324G>A (p.Arg775Gln)

Gene: HR (HR lysine demethylase and nuclear receptor corepressor; minus strand). Cytogenetic location: 8p21.3.
Variant type: single nucleotide variant.
Coding change: c.2324G>A on transcript NM_005144.5 (MANE Select); coding-DNA position 2324, G replaced by A.
Protein change: p.Arg775Gln; replaces arginine 775 with glutamine.
Molecular consequence: missense variant.
Genome position (GRCh38, 1-based): chr8:22,121,108, C>T on the plus strand (G>A on the coding strand, the complement: HR is on the minus strand). VCF-style: chr8-22121108-C-T. GRCh37 (hg19) VCF-style: chr8-21978621-C-T.
Other names: c.2324G>A, p.Arg775Gln (NM_018411.4); short protein forms R775Q.
Identifiers: ClinVar variation 4706790 (VCV004706790.1).